The following is an entry in ClinVar:

Conditions:
Breast-ovarian cancer, familial, susceptibility to, 1 (BROVCA1). Also called: BRCA1 Hereditary Breast and Ovarian Cancer; OVARIAN CANCER, SUSCEPTIBILITY TO. Identifiers: Orphanet 145, MedGen C2676676, MONDO:0011450, OMIM 604370. Disease mechanism: loss of function.

Submission:

Brotman Baty Institute, University of Washington
No classification provided (evidence only). Condition: Breast-ovarian cancer, familial 1. Review status: no classification provided. Collection method: in vitro. Allele origin: not applicable. Functional consequence: functionally_normal.
ClinVar note: "not provided" was previously submitted as the classification for the variant. However, the classification appeared to be based only on an observation of functional data so it was converted to no classification on 2025-07-30.

NM_007294.4(BRCA1):c.4963T>A (p.Ser1655Thr)

Gene: BRCA1 (BRCA1 DNA repair associated; minus strand). Cytogenetic location: 17q21.31.
Variant type: single nucleotide variant.
Coding change: c.4963T>A on transcript NM_007294.4 (MANE Select); coding-DNA position 4963, T replaced by A.
Protein change: p.Ser1655Thr; replaces serine 1655 with threonine.
Molecular consequence: missense variant. On other transcripts: non-coding transcript variant (1).
Genome position (GRCh38, 1-based): chr17:43,070,951, A>T on the plus strand (T>A on the coding strand, the complement: BRCA1 is on the minus strand). VCF-style: chr17-43070951-A-T. GRCh37 (hg19) VCF-style: chr17-41222968-A-T.
Other names: c.4750T>A, p.Ser1584Thr (NM_001407571.1, NM_001407894.1, NM_001407895.1 and 12 more transcripts); c.5029T>A, p.Ser1677Thr (NM_001407581.1, NM_001407582.1); c.5026T>A, p.Ser1676Thr (NM_001407583.1, NM_001407585.1, NM_001407587.1 and 1 more transcripts); c.5023T>A, p.Ser1675Thr (NM_001407590.1, NM_001407591.1); c.4963T>A, p.Ser1655Thr (NM_001407593.1, NM_001407594.1, NM_001407596.1 and 8 more transcripts); c.4960T>A, p.Ser1654Thr (NM_001407610.1, NM_001407611.1, NM_001407612.1 and 17 more transcripts); c.4957T>A, p.Ser1653Thr (NM_001407627.1, NM_001407628.1, NM_001407629.1 and 14 more transcripts); c.4954T>A, p.Ser1652Thr (NM_001407644.1, NM_001407645.1); and 70 more; short protein forms S551T, S1608T, S1655T, S1676T, S1566T, S1585T, S1588T, S1607T.
Identifiers: ClinVar variation 865733 (VCV000865733.3), dbSNP rs1057518639, ClinGen allele CA10591599.